The following is an entry in ClinVar:

ClinVar aggregate classification (germline): Uncertain significance (1 of 4 stars; one submission).

gnomAD v4.1: 1 of 1,614,118 alleles (0.000062%); highest among the groups gnomAD compares: Non-Finnish European, 0.000085%; no homozygotes.

Submission:

GeneDx
Classification: Uncertain significance. Last evaluated: 2025-08-14. Review status: criteria provided, single submitter. Criteria: GeneDx Variant Classification Process June 2021. Collection method: clinical testing. Allele origin: germline. Affected: yes.
Comment: Not observed at significant frequency in large population cohorts (gnomAD); In silico analysis supports that this missense variant has a deleterious effect on protein structure/function; Has not been previously published as pathogenic or benign to our knowledge

NM_006618.5(KDM5B):c.1465G>A (p.Val489Met)

Gene: KDM5B (lysine demethylase 5B; minus strand). Cytogenetic location: 1q32.1.
Variant type: single nucleotide variant.
Coding change: c.1465G>A on transcript NM_006618.5 (MANE Select); coding-DNA position 1465, G replaced by A.
Protein change: p.Val489Met; replaces valine 489 with methionine.
Molecular consequence: missense variant.
Genome position (GRCh38, 1-based): chr1:202,755,344, C>T on the plus strand (G>A on the coding strand, the complement: KDM5B is on the minus strand). VCF-style: chr1-202755344-C-T. GRCh37 (hg19) VCF-style: chr1-202724472-C-T.
Other names: c.1573G>A, p.Val525Met (NM_001314042.2); c.1330G>A, p.Val444Met (NM_001347591.2); c.1450G>A, p.Val484Met (NM_001399817.1); short protein forms V444M, V484M, V489M, V525M.
Identifiers: ClinVar variation 4795296 (VCV004795296.1).